The following is an entry in ClinVar:

NM_000179.3(MSH6):c.3919A>C (p.Asn1307His)

Gene: MSH6 (mutS homolog 6; plus strand). Cytogenetic location: 2p16.3.
Variant type: single nucleotide variant.
Coding change: c.3919A>C on transcript NM_000179.3 (MANE Select); coding-DNA position 3919, A replaced by C.
Protein change: p.Asn1307His; replaces asparagine 1307 with histidine.
Molecular consequence: missense variant.
Genome position (GRCh38, 1-based): chr2:47,806,569, A>C. VCF-style: chr2-47806569-A-C. GRCh37 (hg19) VCF-style: chr2-48033708-A-C.
Other names: p.N1307H:AAT>CAT; c.3529A>C, p.Asn1177His (NM_001281492.2); c.3013A>C, p.Asn1005His (NM_001281493.2, NM_001281494.2); short protein forms N1307H, N1177H, N1005H.
Identifiers: ClinVar variation 182649 (VCV000182649.22), dbSNP rs730881808, ClinGen allele CA014694.

ClinVar aggregate classification (germline): Uncertain significance. Review status: criteria provided, multiple submitters, no conflicts (2 of 4 stars). 8 submissions from 8 submitters: Uncertain significance (8). Last evaluated 2025-12-07.

Conditions:
Hereditary cancer-predisposing syndrome. Also called: Tumor predisposition; Hereditary Cancer Syndrome; Hereditary neoplastic syndrome; Neoplastic Syndromes, Hereditary. Identifiers: Orphanet 140162, MedGen C0027672, MeSH D009386, MONDO:0015356.
Hereditary nonpolyposis colorectal neoplasms. Identifiers: MedGen C0009405, MeSH D003123.
Endometrial carcinoma. Also called: Endometrial carcinoma, somatic. Identifiers: MedGen C0476089, MONDO:0002447, OMIM 608089, HP:0012114.
Mismatch repair cancer syndrome 1 (MMRCS1). Also called: BRAIN TUMOR-POLYPOSIS SYNDROME 1; BTP1 SYNDROME; CHILDHOOD CANCER SYNDROME; MISMATCH REPAIR DEFICIENCY; MMR DEFICIENCY. Identifiers: Orphanet 252202, MedGen C5399763, MONDO:0010159, OMIM 276300. Disease mechanism: loss of function.
Lynch syndrome 5 (LYNCH5). Also called: Colorectal cancer, hereditary nonpolyposis, type 5; Hereditary non-polyposis colorectal cancer, type 5. Identifiers: Orphanet 144, MedGen C1833477, MONDO:0013710, OMIM 614350. Disease mechanism: loss of function.
Lynch syndrome. Identifiers: Orphanet 144, MedGen C4552100, MONDO:0005835. Disease mechanism: loss of function.

gnomAD v4.1: 1 of 1,613,876 alleles (0.000062%); highest among the groups gnomAD compares: Non-Finnish European, 0.000085%; no homozygotes.

Submissions (8):

Ambry Genetics
Classification: Uncertain significance for Hereditary cancer-predisposing syndrome. Last evaluated: 2025-12-07. Review status: criteria provided, single submitter. Criteria: Ambry Variant Classification Scheme 2023. Collection method: clinical testing. Allele origin: germline.
Comment: The p.N1307H variant (also known as c.3919A>C), located in coding exon 9 of the MSH6 gene, results from an A to C substitution at nucleotide position 3919. The asparagine at codon 1307 is replaced by histidine, an amino acid with similar properties. This amino acid position is not well conserved in available vertebrate species. In addition, this alteration is predicted to be tolerated by in silico analysis. Since supporting evidence is limited at this time, the clinical significance of this alteration remains unclear.

Labcorp Genetics (formerly Invitae), Labcorp
Classification: Uncertain significance for Hereditary nonpolyposis colorectal neoplasms. Last evaluated: 2025-02-23. Review status: criteria provided, single submitter. Criteria: Invitae Variant Classification Sherloc (09022015). Collection method: clinical testing. Allele origin: germline.
Comment: This sequence change replaces asparagine, which is neutral and polar, with histidine, which is basic and polar, at codon 1307 of the MSH6 protein (p.Asn1307His). This variant is not present in population databases (gnomAD no frequency). This variant has not been reported in the literature in individuals affected with MSH6-related conditions. ClinVar contains an entry for this variant (Variation ID: 182649). Invitae Evidence Modeling of protein sequence and biophysical properties (such as structural, functional, and spatial information, amino acid conservation, physicochemical variation, residue mobility, and thermodynamic stability) indicates that this missense variant is not expected to disrupt MSH6 protein function with a negative predictive value of 95%. In summary, the available evidence is currently insufficient to determine the role of this variant in disease. Therefore, it has been classified as a Variant of Uncertain Significance.

Color Diagnostics, LLC DBA Color Health
Classification: Uncertain significance for Hereditary cancer-predisposing syndrome. Last evaluated: 2024-03-06. Review status: criteria provided, single submitter. Criteria: ACMG Guidelines, 2015. Collection method: clinical testing. Allele origin: germline.
Comment: This missense variant replaces asparagine with histidine at codon 1307 of the MSH6 protein. Computational prediction suggests that this variant may not impact protein structure and function (internally defined REVEL score threshold <= 0.5, PMID: 27666373). To our knowledge, functional studies have not been reported for this variant. This variant has not been reported in individuals affected with hereditary cancer in the literature. This variant has not been identified in the general population by the Genome Aggregation Database (gnomAD). The available evidence is insufficient to determine the role of this variant in disease conclusively. Therefore, this variant is classified as a Variant of Uncertain Significance.

All of Us Research Program, National Institutes of Health
Classification: Uncertain significance for Lynch syndrome. Last evaluated: 2023-12-01. Review status: criteria provided, single submitter. Criteria: ACMG Guidelines, 2015. Collection method: clinical testing. Allele origin: germline. Inheritance: Autosomal dominant inheritance. Observed: 1 variant allele, 1 heterozygote.
Comment: This missense variant replaces asparagine with histidine at codon 1307 of the MSH6 protein. Computational prediction suggests that this variant may not impact protein structure and function (internally defined REVEL score threshold <= 0.5, PMID: 27666373). To our knowledge, functional studies have not been reported for this variant. This variant has not been reported in individuals affected with hereditary cancer in the literature. This variant has not been identified in the general population by the Genome Aggregation Database (gnomAD). The available evidence is insufficient to determine the role of this variant in disease conclusively. Therefore, this variant is classified as a Variant of Uncertain Significance.

This study involves interpretation of variants in research participants for the purpose of population health screening. Participant phenotype was not available at the time of variant classification. Additional details can be found in publication PMID: 35346344, PMCID: PMC8962531

Baylor Genetics
Classification: Uncertain significance for Endometrial carcinoma. Last evaluated: 2023-10-05. Review status: criteria provided, single submitter. Criteria: ACMG Guidelines, 2015. Collection method: clinical testing. Allele origin: unknown.

GeneDx
Classification: Uncertain significance. Last evaluated: 2023-06-13. Review status: criteria provided, single submitter. Criteria: GeneDx Variant Classification Process June 2021. Collection method: clinical testing. Allele origin: germline. Affected: yes.
Comment: Not observed at significant frequency in large population cohorts (gnomAD); In silico analysis supports that this missense variant does not alter protein structure/function; Has not been previously published as pathogenic or benign to our knowledge; This variant is associated with the following publications: (PMID: 12019211, 17531815, 21120944)

Quest Diagnostics Nichols Institute San Juan Capistrano
Classification: Uncertain significance. Last evaluated: 2022-10-18. Review status: criteria provided, single submitter. Criteria: Quest Diagnostics criteria. Collection method: clinical testing. Allele origin: unknown.
Comment: The variant has not been reported in individuals with MSH6-related conditions in the published literature. It also has not been reported in large, multi-ethnic general populations. Analysis of this variant using bioinformatics tools for the prediction of the effect of amino acid changes on protein structure and function yielded predictions that this variant is benign. Based on the available information, we are unable to determine the clinical significance of this variant.

Fulgent Genetics
Classification: Uncertain significance for Mismatch repair cancer syndrome 1; Endometrial carcinoma; Lynch syndrome 5. Last evaluated: 2018-10-31. Review status: criteria provided, single submitter. Criteria: ACMG Guidelines, 2015. Collection method: clinical testing. Allele origin: unknown.